The following is an entry in ClinVar:

ClinVar aggregate classification (germline): Uncertain significance. Review status: criteria provided, multiple submitters, no conflicts (2 of 4 stars). 3 submissions from 3 submitters: Uncertain significance (3). Last evaluated 2022-11-22.

Conditions:
Primary ciliary dyskinesia. Also called: Ciliary dyskinesia. Identifiers: Orphanet 244, MedGen C0008780, MONDO:0016575, HP:0012265.

Allele frequency attached by ClinVar (database versions not stated): TOPMed below 0.00001.
gnomAD v4.1: 3 of 1,613,480 alleles (0.00019%); highest among the groups gnomAD compares: African/African-American, 0.0013%; no homozygotes.

Submissions (3):

Labcorp Genetics (formerly Invitae), Labcorp
Classification: Uncertain significance for Primary ciliary dyskinesia. Last evaluated: 2022-11-22. Review status: criteria provided, single submitter. Criteria: Invitae Variant Classification Sherloc (09022015). Collection method: clinical testing. Allele origin: germline.
Comment: This sequence change replaces lysine, which is basic and polar, with asparagine, which is neutral and polar, at codon 454 of the CCDC114 protein (p.Lys454Asn). This variant is not present in population databases (gnomAD no frequency). This variant has not been reported in the literature in individuals affected with CCDC114-related conditions. ClinVar contains an entry for this variant (Variation ID: 951835). Algorithms developed to predict the effect of missense changes on protein structure and function are either unavailable or do not agree on the potential impact of this missense change (SIFT: "Tolerated"; PolyPhen-2: "Probably Damaging"; Align-GVGD: "Class C0"). Algorithms developed to predict the effect of sequence changes on RNA splicing suggest that this variant may disrupt the consensus splice site. In summary, the available evidence is currently insufficient to determine the role of this variant in disease. Therefore, it has been classified as a Variant of Uncertain Significance.

Ambry Genetics
Classification: Uncertain significance for Primary ciliary dyskinesia. Last evaluated: 2021-09-01. Review status: criteria provided, single submitter. Criteria: Ambry Variant Classification Scheme 2023. Collection method: clinical testing. Allele origin: germline.

Breakthrough Genomics
Classification: Uncertain significance. Review status: criteria provided, single submitter. Criteria: ACMG Guidelines, 2015. Collection method: not provided. Allele origin: germline. Inheritance: Autosomal dominant inheritance. Affected: yes.

NM_001364171.2(ODAD1):c.1473G>T (p.Lys491Asn)

Gene: ODAD1 (outer dynein arm docking complex subunit 1; minus strand). Cytogenetic location: 19q13.33.
Variant type: single nucleotide variant.
Coding change: c.1473G>T on transcript NM_001364171.2 (MANE Select); coding-DNA position 1473, G replaced by T.
Protein change: p.Lys491Asn; replaces lysine 491 with asparagine.
Molecular consequence: missense variant.
Genome position (GRCh38, 1-based): chr19:48,298,029, C>A on the plus strand (G>T on the coding strand, the complement: ODAD1 is on the minus strand). VCF-style: chr19-48298029-C-A. GRCh37 (hg19) VCF-style: chr19-48801286-C-A.
Other names: c.1362G>T, p.Lys454Asn (NM_144577.4); short protein forms K491N, K454N.
Identifiers: ClinVar variation 951835 (VCV000951835.10), dbSNP rs978861683, ClinGen allele CA309294653.